The following is an entry in ClinVar:

ClinVar aggregate classification (germline): Uncertain significance (1 of 4 stars; one submission).

Submission:

GeneDx
Classification: Uncertain significance. Last evaluated: 2024-10-02. Review status: criteria provided, single submitter. Criteria: GeneDx Variant Classification Process June 2021. Collection method: clinical testing. Allele origin: germline.
Comment: Not observed at significant frequency in large population cohorts (gnomAD); In silico analysis supports that this missense variant has a deleterious effect on protein structure/function; Has not been previously published as pathogenic or benign to our knowledge

NM_002444.3(MSN):c.679A>T (p.Ile227Phe)

Gene: MSN (moesin; plus strand). Cytogenetic location: Xq12.
Variant type: single nucleotide variant.
Coding change: c.679A>T on transcript NM_002444.3 (MANE Select); coding-DNA position 679, A replaced by T.
Protein change: p.Ile227Phe; replaces isoleucine 227 with phenylalanine.
Molecular consequence: missense variant.
Genome position (GRCh38, 1-based): chrX:65,731,965, A>T. VCF-style: chrX-65731965-A-T. GRCh37 (hg19) VCF-style: chrX-64951827-A-T.
Other names: short protein forms I227F.
Identifiers: ClinVar variation 1712669 (VCV001712669.3), dbSNP rs2523006339, ClinGen allele CA413416343.